The following is an entry in ClinVar:

NM_004593.3(TRA2B):c.445A>G (p.Ile149Val)

Gene: TRA2B (transformer 2 beta homolog; minus strand). Cytogenetic location: 3q27.2.
Variant type: single nucleotide variant.
Coding change: c.445A>G on transcript NM_004593.3 (MANE Select); coding-DNA position 445, A replaced by G.
Protein change: p.Ile149Val; replaces isoleucine 149 with valine.
Molecular consequence: missense variant.
Genome position (GRCh38, 1-based): chr3:185,923,873, T>C on the plus strand (A>G on the coding strand, the complement: TRA2B is on the minus strand). VCF-style: chr3-185923873-T-C. GRCh37 (hg19) VCF-style: chr3-185641661-T-C.
Other names: c.145A>G, p.Ile49Val (NM_001243879.2); short protein forms I149V, I49V.
Identifiers: ClinVar variation 5016812 (VCV005016812.1).
Genomic context (GRCh38, chr3:185,923,873, plus strand): 5'-CATTTTCAAAATATACAAAGGCAAATCCTCTTGAACGCCTAGACTGCTGGTCATATACAA[T>C]AGACACATCGGCAATGGGACCATATTTAGAGAACACTTCTCTTAGATCTCTTTCTGTGGT-3'
Protein context (NP_004584.1, residues 139-159): SKYGPIADVS[Ile149Val]VYDQQSRRSR

ClinVar aggregate classification (germline): Uncertain significance (1 of 4 stars; one submission).

gnomAD v4.1: 5 of 1,614,028 alleles (0.00031%); highest among the groups gnomAD compares: South Asian, 0.0011%; no homozygotes.

Submission:

GeneDx
Classification: Uncertain significance. Last evaluated: 2026-04-07. Review status: criteria provided, single submitter. Criteria: GeneDx Variant Classification Process June 2021. Collection method: clinical testing. Allele origin: germline.
Comment: Not observed at significant frequency in large population cohorts (gnomAD); In silico analysis suggests that this missense variant does not alter protein structure/function; Has not been previously published as pathogenic or benign to our knowledge